The following is an entry in ClinVar:

ClinVar aggregate classification (germline): Likely benign (0 of 4 stars; one submission).

Conditions:
CNGB1-related disorder. Also called: CNGB1-related condition.

Submission:

PreventionGenetics, part of Exact Sciences
Classification: Likely benign for CNGB1-related condition. Last evaluated: 2019-06-12. Review status: no assertion criteria provided. Collection method: clinical testing. Allele origin: germline.
Comment: This variant is classified as likely benign based on ACMG/AMP sequence variant interpretation guidelines (Richards et al. 2015 PMID: 25741868, with internal and published modifications).

NM_001297.5(CNGB1):c.270T>G (p.Ala90=)

Gene: CNGB1 (cyclic nucleotide gated channel subunit beta 1; minus strand). Cytogenetic location: 16q21.
Variant type: single nucleotide variant.
Coding change: c.270T>G on transcript NM_001297.5 (MANE Select); coding-DNA position 270, T replaced by G.
Protein change: p.Ala90=; no amino-acid change (alanine 90 retained).
Molecular consequence: synonymous variant.
Genome position (GRCh38, 1-based): chr16:57,964,150, A>C on the plus strand (T>G on the coding strand, the complement: CNGB1 is on the minus strand). VCF-style: chr16-57964150-A-C. GRCh37 (hg19) VCF-style: chr16-57998054-A-C.
Other names: c.270T>G, p.Ala90= (NM_001135639.2, NM_001286130.2).
Identifiers: ClinVar variation 3033405 (VCV003033405.2), dbSNP rs2544682267, ClinGen allele CA495650561.
Genomic context (GRCh38, chr16:57,964,150, plus strand): 5'-GGCGGGCTGGCCCTGAAGAGAGGGGAGGGTGGTGCAGTACCTATTCATTTCAGAAATCTC[A>C]GCGCCCTGGGCCCGGAGGGATATGGTGGAAGTAAGGGCAGCCTCCTTGGTCTCTGGAAAA-3'
Protein context (NP_001288.3, residues 80-100): TSTISLRAQG[Ala90=]EISEMNSPSR